The following is an entry in ClinVar:

ClinVar aggregate classification (germline): Conflicting classifications of pathogenicity. Review status: criteria provided, conflicting classifications (1 of 4 stars). 4 submissions from 4 submitters: Uncertain significance (1); Benign (1); Likely benign (2). Last evaluated 2026-01-28.

Conditions:
3M syndrome 2. Also called: 3-M Syndrome, OBSL1-Related; THREE M SYNDROME 2. Identifiers: Orphanet 2616, MedGen C2752041, MONDO:0013039, OMIM 612921.

Allele frequency attached by ClinVar (database versions not stated): 1000 Genomes Project 30x 0.00031; 1000 Genomes Project 0.00040; gnomAD 0.00092 and 0.00096; TOPMed 0.00095; ESP Exome Variant Server 0.00128; ExAC 0.00137.
gnomAD v4.1: 2,636 of 1,600,200 alleles (0.16%); highest among the groups gnomAD compares: Non-Finnish European, 0.21%; 2 homozygotes.

Submissions (4):

Labcorp Genetics (formerly Invitae), Labcorp
Classification: Likely benign. Last evaluated: 2026-01-28. Review status: criteria provided, single submitter. Criteria: Invitae Variant Classification Sherloc (09022015). Collection method: clinical testing. Allele origin: germline.

Blueprint Genetics
Classification: Likely benign. Last evaluated: 2024-11-25. Review status: criteria provided, single submitter. Criteria: ACMG Guidelines, 2015. Collection method: clinical testing. Allele origin: germline.

Women's Health and Genetics/Laboratory Corporation of America, LabCorp
Classification: Benign. Last evaluated: 2023-10-24. Review status: criteria provided, single submitter. Criteria: LabCorp Variant Classification Summary - May 2015. Collection method: clinical testing. Allele origin: germline.
Comment: Variant summary: OBSL1 c.2407+11A>G alters a non-conserved nucleotide located at a position not widely known to affect splicing. Consensus agreement among computation tools predict no significant impact on normal splicing. However, these predictions have yet to be confirmed by functional studies. The variant allele was found at a frequency of 0.0009 in 234536 control chromosomes, predominantly at a frequency of 0.0016 within the Non-Finnish European subpopulation in the gnomAD database. The observed variant frequency within Non-Finnish European control individuals in the gnomAD database is approximately 1.43 fold of the estimated maximal expected allele frequency for a pathogenic variant in OBSL1 causing Three M Syndrome 2 phenotype (0.0011), strongly suggesting that the variant is a benign polymorphism found primarily in populations of Non-Finnish European origin. To our knowledge, no occurrence of c.2407+11A>G in individuals affected with Three M Syndrome 2 and no experimental evidence demonstrating its impact on protein function have been reported. Two submitters have cited clinical-significance assessments for this variant to ClinVar after 2014. One submitter classified the variant as likely benign, and one submitter classified the variant as uncertain significance. Based on the evidence outlined above, the variant was classified as benign.

Illumina Laboratory Services, Illumina
Classification: Uncertain significance for 3M syndrome 2. Last evaluated: 2017-04-27. Review status: criteria provided, single submitter. Criteria: ICSL Variant Classification Criteria 13 December 2019. Collection method: clinical testing. Allele origin: germline.

NM_015311.3(OBSL1):c.2407+11A>G

Gene: OBSL1 (obscurin like cytoskeletal adaptor 1; minus strand). Cytogenetic location: 2q35.
Variant type: single nucleotide variant.
Coding change: c.2407+11A>G on transcript NM_015311.3 (MANE Select); 11 bases into the intron after coding-DNA position 2407, A replaced by G.
Molecular consequence: intron variant.
Genome position (GRCh38, 1-based): chr2:219,565,231, T>C on the plus strand (A>G on the coding strand, the complement: OBSL1 is on the minus strand). VCF-style: chr2-219565231-T-C. GRCh37 (hg19) VCF-style: chr2-220429953-T-C.
Other names: c.2407+11A>G (NM_001173431.2, NM_001173408.2).
Identifiers: ClinVar variation 895912 (VCV000895912.13), dbSNP rs62191613, ClinGen allele CA2131247.
Genomic context (GRCh38, chr2:219,565,231, plus strand): 5'-CAGAGGGCATGGCTTATGCGGCCCCACAATCAGCCTTGGCTGGAGGAGCCCAGGCTGGCA[T>C]GCTTCCTGACCTTGGACAGTGACGCCGAAGAAGGCCGAGACCCCTTCTGTCCTGCACTCA-3'